The following is an entry in ClinVar:

ClinVar aggregate classification (germline): Uncertain significance. Review status: criteria provided, multiple submitters, no conflicts (2 of 4 stars). 2 submissions from 2 submitters: Uncertain significance (2). Last evaluated 2024-08-14.

Submissions (2):

GeneDx
Classification: Uncertain significance. Last evaluated: 2024-08-14. Review status: criteria provided, single submitter. Criteria: GeneDx Variant Classification Process June 2021. Collection method: clinical testing. Allele origin: germline. Affected: yes.
Comment: Not observed at significant frequency in large population cohorts (gnomAD); In silico analysis supports that this missense variant has a deleterious effect on protein structure/function; Has not been previously published as pathogenic or benign to our knowledge

Labcorp Genetics (formerly Invitae), Labcorp
Classification: Uncertain significance. Last evaluated: 2023-05-26. Review status: criteria provided, single submitter. Criteria: Invitae Variant Classification Sherloc (09022015). Collection method: clinical testing. Allele origin: germline.
Comment: This sequence change replaces alanine, which is neutral and non-polar, with threonine, which is neutral and polar, at codon 1638 of the SCN3A protein (p.Ala1638Thr). This variant is not present in population databases (gnomAD no frequency). This variant has not been reported in the literature in individuals affected with SCN3A-related conditions. ClinVar contains an entry for this variant (Variation ID: 2136260). Advanced modeling of protein sequence and biophysical properties (such as structural, functional, and spatial information, amino acid conservation, physicochemical variation, residue mobility, and thermodynamic stability) has been performed at Invitae for this missense variant, however the output from this modeling did not meet the statistical confidence thresholds required to predict the impact of this variant on SCN3A protein function. In summary, the available evidence is currently insufficient to determine the role of this variant in disease. Therefore, it has been classified as a Variant of Uncertain Significance.

NM_006922.4(SCN3A):c.4912G>A (p.Ala1638Thr)

Gene: SCN3A (sodium voltage-gated channel alpha subunit 3; minus strand). Cytogenetic location: 2q24.3.
Variant type: single nucleotide variant.
Coding change: c.4912G>A on transcript NM_006922.4 (MANE Select); coding-DNA position 4912, G replaced by A.
Protein change: p.Ala1638Thr; replaces alanine 1638 with threonine.
Molecular consequence: missense variant.
Genome position (GRCh38, 1-based): chr2:165,091,241, C>T on the plus strand (G>A on the coding strand, the complement: SCN3A is on the minus strand). VCF-style: chr2-165091241-C-T. GRCh37 (hg19) VCF-style: chr2-165947751-C-T.
Other names: c.4765G>A, p.Ala1589Thr (NM_001081676.2, NM_001081677.2); short protein forms A1589T, A1638T.
Identifiers: ClinVar variation 2136260 (VCV002136260.5), dbSNP rs2468042011, ClinGen allele CA349018068.